The following is an entry in ClinVar:

NM_003900.5(SQSTM1):c.1309C>A (p.Pro437Thr)

Gene: SQSTM1 (sequestosome 1; plus strand). Cytogenetic location: 5q35.3.
Variant type: single nucleotide variant.
Coding change: c.1309C>A on transcript NM_003900.5 (MANE Select); coding-DNA position 1309, C replaced by A.
Protein change: p.Pro437Thr; replaces proline 437 with threonine.
Molecular consequence: missense variant.
Genome position (GRCh38, 1-based): chr5:179,836,579, C>A. VCF-style: chr5-179836579-C-A. GRCh37 (hg19) VCF-style: chr5-179263579-C-A.
Other names: c.1057C>A, p.Pro353Thr (NM_001142298.2, NM_001142299.2); short protein forms P353T, P437T.
Identifiers: ClinVar variation 4787244 (VCV004787244.1).

ClinVar aggregate classification (germline): Uncertain significance (1 of 4 stars; one submission).

Conditions:
Frontotemporal dementia and/or amyotrophic lateral sclerosis 1 (FTDALS1). Also called: C9orf72 Frontotemporal Dementia and/or Amyotrophic Lateral Sclerosis; Frontotemporal dementia with motor neuron disease 1. Identifiers: Orphanet 275872, MedGen C5779877, MONDO:0007105, OMIM 105550.
Paget disease of bone 2, early-onset (PDB2). Also called: Paget disease of bone 2. Identifiers: MedGen C4085251, MONDO:0011183, OMIM 602080.

Submission:

Labcorp Genetics (formerly Invitae), Labcorp
Classification: Uncertain significance for Paget disease of bone 2, early-onset; Frontotemporal dementia and/or amyotrophic lateral sclerosis 1. Last evaluated: 2026-01-17. Review status: criteria provided, single submitter. Criteria: Invitae Variant Classification Sherloc (09022015). Collection method: clinical testing. Allele origin: germline.
Comment: This sequence change replaces proline, which is neutral and non-polar, with threonine, which is neutral and polar, at codon 437 of the SQSTM1 protein (p.Pro437Thr). This variant is not present in population databases (gnomAD no frequency). This variant has not been reported in the literature in individuals affected with SQSTM1-related conditions. An algorithm developed to predict the effect of missense changes on protein structure and function (PolyPhen-2) suggests that this variant is likely to be disruptive. In summary, the available evidence is currently insufficient to determine the role of this variant in disease. Therefore, it has been classified as a Variant of Uncertain Significance.